The following is an entry in ClinVar:

NM_002439.5(MSH3):c.2435+5G>A

Gene: MSH3 (mutS homolog 3; plus strand). Cytogenetic location: 5q14.1.
Variant type: single nucleotide variant.
Coding change: c.2435+5G>A on transcript NM_002439.5 (MANE Select); 5 bases into the intron after coding-DNA position 2435, G replaced by A.
Molecular consequence: intron variant.
Genome position (GRCh38, 1-based): chr5:80,778,841, G>A. VCF-style: chr5-80778841-G-A. GRCh37 (hg19) VCF-style: chr5-80074660-G-A.
Identifiers: ClinVar variation 1791210 (VCV001791210.6), dbSNP rs2546779634, ClinGen allele CA2580073620.
Genomic context (GRCh38, chr5:80,778,841, plus strand): 5'-CAGCTCCGGGAGCAGCTAGTCCTTGACTGCAGTGCTGAATGGCTTGATTTTCTAGAGTGA[G>A]TTTACAATGAAAAAATATAATCTGACTTTTTGCTATCAGAAACAGACTGGAAAAATCTTT-3'

ClinVar aggregate classification (germline): Conflicting classifications of pathogenicity. Review status: criteria provided, conflicting classifications (1 of 4 stars). 2 submissions from 2 submitters: Likely pathogenic (1); Uncertain significance (1). Last evaluated 2025-12-29.

Conditions:
Hereditary cancer-predisposing syndrome. Also called: Tumor predisposition; Hereditary Cancer Syndrome; Hereditary neoplastic syndrome; Neoplastic Syndromes, Hereditary. Identifiers: Orphanet 140162, MedGen C0027672, MeSH D009386, MONDO:0015356.

Submissions (2):

Center for Genomic Medicine, Rigshospitalet, Copenhagen University Hospital
Classification: Likely pathogenic. Last evaluated: 2025-12-29. Review status: criteria provided, single submitter. Criteria: ACMG Guidelines, 2015. Collection method: clinical testing. Allele origin: germline.

Ambry Genetics
Classification: Uncertain significance for Hereditary cancer-predisposing syndrome. Last evaluated: 2024-10-21. Review status: criteria provided, single submitter. Criteria: Ambry Variant Classification Scheme 2023. Collection method: clinical testing. Allele origin: germline.
Comment: The c.2435+5G>A intronic variant results from a G to A substitution 5 nucleotides after coding exon 17 in the MSH3 gene. This nucleotide position is highly conserved in available vertebrate species. In silico splice site analysis predicts that this alteration will weaken the native splice donor site. Since supporting evidence is limited at this time, the clinical significance of this alteration remains unclear.

Literature cited by the submitters: PubMed 27476653 (cited by Center for Genomic Medicine, Rigshospitalet, Copenhagen University Hospital).